The following is an entry in ClinVar:

ClinVar aggregate classification (germline): Conflicting classifications of pathogenicity. Review status: criteria provided, conflicting classifications (1 of 4 stars). 7 submissions from 7 submitters: Uncertain significance (6); Benign (1). Last evaluated 2026-10-06.

Conditions:
Ehlers-Danlos syndrome due to tenascin-X deficiency (EDSCLL1). Also called: EDS DUE TO TNX DEFICIENCY; TNX DEFICIENCY; TNXB-Related Classical-Like Ehlers-Danlos Syndrome; EHLERS-DANLOS SYNDROME, CLASSIC-LIKE; Ehlers-Danlos syndrome, classic-like, 1. Identifiers: Orphanet 230839, MedGen C1848029, MONDO:0011670, OMIM 606408.
Vesicoureteral reflux 8 (VUR8). Identifiers: Orphanet 289365, MedGen C4014831, MONDO:0014422, OMIM 615963.
Cardiovascular phenotype. Identifiers: MedGen CN230736.
Ehlers-Danlos syndrome (EDS). Identifiers: Orphanet 98249, MedGen C0013720, MONDO:0020066.

Allele frequency attached by ClinVar (database versions not stated): gnomAD 0.00049.
gnomAD v4.1: 1,335 of 1,516,236 alleles (0.088%); highest among the groups gnomAD compares: Non-Finnish European, 0.11%; no homozygotes.

Submissions (7):

GeneDx
Classification: Uncertain significance. Last evaluated: 2026-10-06. Review status: criteria provided, single submitter. Criteria: GeneDx Variant Classification Process June 2021. Collection method: clinical testing. Allele origin: germline.
Comment: In silico analysis supports that this missense variant has a deleterious effect on protein structure/function; This variant is associated with the following publications: (PMID: 40650310)

Women's Health and Genetics/Laboratory Corporation of America, LabCorp
Classification: Uncertain significance. Last evaluated: 2026-05-08. Review status: criteria provided, single submitter. Criteria: LabCorp Variant Classification Summary - May 2015. Collection method: clinical testing. Allele origin: germline.
Comment: Variant summary: TNXB c.2783C>A (p.Ser928Tyr) results in a non-conservative amino acid change located in the Fibronectin type-III domain profile (IPR003961) of the encoded protein sequence. Algorithms developed to predict the effect of missense changes on protein structure and function are either unavailable or do not agree on the potential impact of this missense change. The variant allele was found at a frequency of 0.0004 in 139958 control chromosomes. This frequency is not significantly higher than estimated for disease-causing variants in TNXB, allowing no conclusion about variant significance. To our knowledge, no occurrence of c.2783C>A in individuals affected with TNXB-related conditions and no experimental evidence demonstrating its impact on protein function have been reported. ClinVar contains an entry for this variant (Variation ID: 1213388). Based on the evidence outlined above, the variant was classified as uncertain significance.

Mayo Clinic Laboratories, Mayo Clinic
Classification: Uncertain significance. Last evaluated: 2025-12-08. Review status: criteria provided, single submitter. Criteria: ACMG Guidelines, 2015. Collection method: clinical testing. Allele origin: germline. Observed: 6 variant alleles.
Comment: BP4

Ambry Genetics
Classification: Benign for Cardiovascular phenotype. Last evaluated: 2025-11-06. Review status: criteria provided, single submitter. Criteria: Ambry Variant Classification Scheme 2023. Collection method: clinical testing. Allele origin: germline.

Fulgent Genetics
Classification: Uncertain significance for Ehlers-Danlos syndrome due to tenascin-X deficiency; Vesicoureteral reflux 8. Last evaluated: 2021-11-30. Review status: criteria provided, single submitter. Criteria: ACMG Guidelines, 2015. Collection method: clinical testing. Allele origin: unknown.

Revvity Omics, Revvity
Classification: Uncertain significance for Vesicoureteral reflux 8. Last evaluated: 2020-12-09. Review status: criteria provided, single submitter. Criteria: ACMG Guidelines, 2015. Collection method: clinical testing. Allele origin: germline.

Genome Diagnostics Laboratory, The Hospital for Sick Children
Classification: Uncertain significance for Ehlers-Danlos syndrome. Last evaluated: 2019-01-23. Review status: criteria provided, single submitter. Criteria: ACMG Guidelines, 2015. Collection method: clinical testing. Allele origin: germline.

NM_001365276.2(TNXB):c.2783C>A (p.Ser928Tyr)

Gene: TNXB (tenascin XB; minus strand). Cytogenetic location: 6p21.33.
Variant type: single nucleotide variant.
Coding change: c.2783C>A on transcript NM_001365276.2 (MANE Select); coding-DNA position 2783, C replaced by A.
Protein change: p.Ser928Tyr; replaces serine 928 with tyrosine.
Molecular consequence: missense variant.
Genome position (GRCh38, 1-based): chr6:32,086,115, G>T on the plus strand (C>A on the coding strand, the complement: TNXB is on the minus strand). VCF-style: chr6-32086115-G-T. GRCh37 (hg19) VCF-style: chr6-32053892-G-T.
Other names: p.Ser928Tyr; c.2783C>A, p.Ser928Tyr (NM_019105.8); short protein forms S928Y.
Identifiers: ClinVar variation 1213388 (VCV001213388.26), dbSNP rs756778483, ClinGen allele CA3735317.